The following is an entry in ClinVar:

NM_052867.4(NALCN):c.2569C>T (p.Arg857Cys)

Gene: NALCN (sodium leak channel, non-selective; minus strand). Cytogenetic location: 13q33.1.
Variant type: single nucleotide variant.
Coding change: c.2569C>T on transcript NM_052867.4 (MANE Select); coding-DNA position 2569, C replaced by T.
Protein change: p.Arg857Cys; replaces arginine 857 with cysteine.
Molecular consequence: missense variant.
Genome position (GRCh38, 1-based): chr13:101,107,497, G>A on the plus strand (C>T on the coding strand, the complement: NALCN is on the minus strand). VCF-style: chr13-101107497-G-A. GRCh37 (hg19) VCF-style: chr13-101759848-G-A.
Other names: c.2569C>T (NM_052867.2); c.2656C>T, p.Arg886Cys (NM_001350748.2); c.2569C>T, p.Arg857Cys (NM_001350749.2); c.2482C>T, p.Arg828Cys (NM_001350750.2, NM_001350751.2); short protein forms R828C, R857C, R886C.
Identifiers: ClinVar variation 2717460 (VCV002717460.6), dbSNP rs202228674, ClinGen allele CA7035667.

ClinVar aggregate classification (germline): Uncertain significance. Review status: criteria provided, multiple submitters, no conflicts (2 of 4 stars). 3 submissions from 3 submitters: Uncertain significance (3). Last evaluated 2025-12-26.

Conditions:
Hypotonia, infantile, with psychomotor retardation and characteristic facies 1 (INNFD). Identifiers: Orphanet 371364, Orphanet 700336, MedGen C3809454, MONDO:0024567, OMIM 615419.
Congenital contractures of the limbs and face, hypotonia, and developmental delay (CLIFAHDD). Identifiers: Orphanet 562528, MedGen C4225398, MONDO:0014556, OMIM 616266.

Allele frequency attached by ClinVar (database versions not stated): gnomAD 0.00005; TOPMed 0.00007; ESP Exome Variant Server 0.00008; 1000 Genomes Project 30x 0.00016; 1000 Genomes Project 0.00020.
gnomAD v4.1: 63 of 1,614,094 alleles (0.0039%); highest among the groups gnomAD compares: East Asian, 0.011%; no homozygotes.

Submissions (3):

Labcorp Genetics (formerly Invitae), Labcorp
Classification: Uncertain significance. Last evaluated: 2025-12-26. Review status: criteria provided, single submitter. Criteria: Invitae Variant Classification Sherloc (09022015). Collection method: clinical testing. Allele origin: germline.
Comment: This sequence change replaces arginine, which is basic and polar, with cysteine, which is neutral and slightly polar, at codon 857 of the NALCN protein (p.Arg857Cys). This variant is present in population databases (rs202228674, gnomAD 0.01%). This variant has not been reported in the literature in individuals affected with NALCN-related conditions. ClinVar contains an entry for this variant (Variation ID: 2717460). Invitae Evidence Modeling of protein sequence and biophysical properties (such as structural, functional, and spatial information, amino acid conservation, physicochemical variation, residue mobility, and thermodynamic stability) has been performed for this missense variant. However, the output from this modeling did not meet the statistical confidence thresholds required to predict the impact of this variant on NALCN protein function. In summary, the available evidence is currently insufficient to determine the role of this variant in disease. Therefore, it has been classified as a Variant of Uncertain Significance.

GeneDx
Classification: Uncertain significance. Last evaluated: 2025-02-27. Review status: criteria provided, single submitter. Criteria: GeneDx Variant Classification Process June 2021. Collection method: clinical testing. Allele origin: germline. Affected: yes.
Comment: In silico analysis supports that this missense variant has a deleterious effect on protein structure/function; Has not been previously published as pathogenic or benign to our knowledge

Juno Genomics, Hangzhou Juno Genomics, Inc
Classification: Uncertain significance for Congenital contractures of the limbs and face, hypotonia, and developmental delay; Hypotonia, infantile, with psychomotor retardation and characteristic facies 1. Review status: criteria provided, single submitter. Criteria: ACMG Guidelines, 2015. Collection method: clinical testing. Allele origin: germline.
Comment: Absent from controls (or at extremely low frequency if recessive) in Genome Aggregation Database.;Missense variant in a gene that has a low rate of benign missense variation.;Multiple lines of computational evidence support a deleterious effect on the gene or gene product.